The following is an entry in ClinVar:

ClinVar aggregate classification (germline): Uncertain significance (1 of 4 stars; one submission).

Conditions:
Autosomal recessive limb-girdle muscular dystrophy type 2J (LGMDR10). Also called: Limb-girdle muscular dystrophy, type 2J; MUSCULAR DYSTROPHY, LIMB-GIRDLE, AUTOSOMAL RECESSIVE 10. Identifiers: Orphanet 140922, MedGen C1837342, MONDO:0012127, OMIM 608807.
Dilated cardiomyopathy 1G (CMD1G). Identifiers: Orphanet 154, MedGen C1858763, MONDO:0011400, OMIM 604145.

Submission:

Labcorp Genetics (formerly Invitae), Labcorp
Classification: Uncertain significance for Dilated cardiomyopathy 1G; Autosomal recessive limb-girdle muscular dystrophy type 2J. Last evaluated: 2024-10-03. Review status: criteria provided, single submitter. Criteria: Invitae Variant Classification Sherloc (09022015). Collection method: clinical testing. Allele origin: germline.
Comment: This sequence change replaces lysine, which is basic and polar, with isoleucine, which is neutral and non-polar, at codon 35438 of the TTN protein (p.Lys35438Ile). This variant is not present in population databases (gnomAD no frequency). This variant has not been reported in the literature in individuals affected with TTN-related conditions. Experimental studies and prediction algorithms are not available or were not evaluated, and the functional significance of this variant is currently unknown. This variant is located in the M band of TTN (PMID: 25589632). Non-truncating variants in this region may be relevant for neuromuscular disorders, but have not been definitively shown to cause cardiomyopathy (PMID: 23975875). In summary, the available evidence is currently insufficient to determine the role of this variant in disease. Therefore, it has been classified as a Variant of Uncertain Significance.

Literature cited by the submitters: PubMed 25589632; PubMed 23975875.

NM_001267550.2(TTN):c.106313A>T (p.Lys35438Ile)

Genes: TTN-AS1 (TTN antisense RNA 1; plus strand), TTN (titin; minus strand). Cytogenetic location: 2q31.2.
Variant type: single nucleotide variant.
Coding change: c.106313A>T on transcript NM_001267550.2 (MANE Select); coding-DNA position 106313, A replaced by T.
Protein change: p.Lys35438Ile; replaces lysine 35438 with isoleucine.
Molecular consequence: missense variant.
Genome position (GRCh38, 1-based): chr2:178,530,302, T>A on the plus strand (A>T on the coding strand, the complement: TTN is on the minus strand). VCF-style: chr2-178530302-T-A. GRCh37 (hg19) VCF-style: chr2-179395029-T-A.
Other names: c.101390A>T, p.Lys33797Ile (NM_001256850.1); c.79118A>T, p.Lys26373Ile (NM_003319.4); c.98609A>T, p.Lys32870Ile (NM_133378.4); c.79493A>T, p.Lys26498Ile (NM_133432.3); c.79694A>T, p.Lys26565Ile (NM_133437.4); short protein forms K26373I, K26498I, K26565I, K32870I, K33797I, K35438I.
Identifiers: ClinVar variation 3751419 (VCV003751419.2).